The following is an entry in ClinVar:

NM_014324.6(AMACR):c.755C>T (p.Ser252Phe)

Genes: C1QTNF3-AMACR (C1QTNF3-AMACR readthrough (NMD candidate); minus strand), AMACR (alpha-methylacyl-CoA racemase; minus strand). Cytogenetic location: 5p13.2.
Variant type: single nucleotide variant.
Coding change: c.755C>T on transcript NM_014324.6 (MANE Select); coding-DNA position 755, C replaced by T.
Protein change: p.Ser252Phe; replaces serine 252 with phenylalanine.
Molecular consequence: missense variant. On other transcripts: non-coding transcript variant (1), synonymous variant (1).
Genome position (GRCh38, 1-based): chr5:33,989,487, G>A on the plus strand (C>T on the coding strand, the complement: AMACR is on the minus strand). VCF-style: chr5-33989487-G-A. GRCh37 (hg19) VCF-style: chr5-33989592-G-A.
Other names: c.755C>T, p.Ser252Phe (NM_001167595.2); c.594C>T, p.Val198= (NM_203382.3); short protein forms S252F.
Identifiers: ClinVar variation 1911836 (VCV001911836.5), dbSNP rs1227496497, ClinGen allele CA359399386.

ClinVar aggregate classification (germline): Uncertain significance (1 of 4 stars; one submission).

Conditions:
Alpha-methylacyl-CoA racemase deficiency (AMACRD). Also called: AMACR deficiency. Identifiers: Orphanet 79095, MedGen C3280428, MONDO:0013681, OMIM 614307. Disease mechanism: loss of function.

Allele frequency attached by ClinVar (database versions not stated): gnomAD exomes below 0.00001; TOPMed 0.00002.

Submission:

Labcorp Genetics (formerly Invitae), Labcorp
Classification: Uncertain significance for Alpha-methylacyl-CoA racemase deficiency. Last evaluated: 2022-05-12. Review status: criteria provided, single submitter. Criteria: Invitae Variant Classification Sherloc (09022015). Collection method: clinical testing. Allele origin: germline.
Comment: In summary, the available evidence is currently insufficient to determine the role of this variant in disease. Therefore, it has been classified as a Variant of Uncertain Significance. Algorithms developed to predict the effect of missense changes on protein structure and function are either unavailable or do not agree on the potential impact of this missense change (SIFT: "Deleterious"; PolyPhen-2: "Benign"; Align-GVGD: "Class C0"). This variant has not been reported in the literature in individuals affected with AMACR-related conditions. This variant is present in population databases (no rsID available, gnomAD 0.003%). This sequence change replaces serine, which is neutral and polar, with phenylalanine, which is neutral and non-polar, at codon 252 of the AMACR protein (p.Ser252Phe).